The following is an entry in ClinVar:

ClinVar aggregate classification (germline): Uncertain significance (1 of 4 stars; one submission).

Conditions:
Deficiency of 3-hydroxyacyl-CoA dehydrogenase. Also called: HADH DEFICIENCY; 3-hydroxyacyl-CoA dehydrogenase deficiency. Identifiers: Orphanet 309127, Orphanet 71212, MedGen C1291230, MONDO:0017715, OMIM 231530.

Submission:

Labcorp Genetics (formerly Invitae), Labcorp
Classification: Uncertain significance for Deficiency of 3-hydroxyacyl-CoA dehydrogenase. Last evaluated: 2022-09-01. Review status: criteria provided, single submitter. Criteria: Invitae Variant Classification Sherloc (09022015). Collection method: clinical testing. Allele origin: germline.
Comment: In summary, the available evidence is currently insufficient to determine the role of this variant in disease. Therefore, it has been classified as a Variant of Uncertain Significance. Algorithms developed to predict the effect of missense changes on protein structure and function are either unavailable or do not agree on the potential impact of this missense change (SIFT: "Deleterious"; PolyPhen-2: "Benign"; Align-GVGD: "Class C0"). This variant has not been reported in the literature in individuals affected with HADH-related conditions. This variant is not present in population databases (gnomAD no frequency). This sequence change replaces leucine, which is neutral and non-polar, with phenylalanine, which is neutral and non-polar, at codon 130 of the HADH protein (p.Leu130Phe).

NM_005327.7(HADH):c.388C>T (p.Leu130Phe)

Gene: HADH (hydroxyacyl-CoA dehydrogenase; plus strand). Cytogenetic location: 4q25.
Variant type: single nucleotide variant.
Coding change: c.388C>T on transcript NM_005327.7 (MANE Select); coding-DNA position 388, C replaced by T.
Protein change: p.Leu130Phe; replaces leucine 130 with phenylalanine.
Molecular consequence: missense variant.
Genome position (GRCh38, 1-based): chr4:108,014,557, C>T. VCF-style: chr4-108014557-C-T. GRCh37 (hg19) VCF-style: chr4-108935713-C-T.
Other names: c.388C>T, p.Leu130Phe (NM_001184705.4); c.400C>T, p.Leu134Phe (NM_001331027.2); short protein forms L130F, L134F.
Identifiers: ClinVar variation 2175221 (VCV002175221.4), dbSNP rs762382167, ClinGen allele CA357831564.